The following is an entry in ClinVar:

ClinVar aggregate classification (germline): Uncertain significance. Review status: criteria provided, multiple submitters, no conflicts (2 of 4 stars). 2 submissions from 2 submitters: Uncertain significance (2). Last evaluated 2025-04-25.

Conditions:
Vici syndrome (VICIS). Identifiers: Orphanet 1493, MedGen C1855772, MONDO:0009452, OMIM 242840.
Inborn genetic diseases. Identifiers: MedGen C0950123, MeSH D030342.

gnomAD v4.1: 1 of 1,607,462 alleles (0.000062%); highest among the groups gnomAD compares: Admixed American, 0.0017%; no homozygotes.

Submissions (2):

Ambry Genetics
Classification: Uncertain significance for Inborn genetic diseases. Last evaluated: 2025-04-25. Review status: criteria provided, single submitter. Criteria: Ambry Variant Classification Scheme 2023. Collection method: clinical testing. Allele origin: germline.

Labcorp Genetics (formerly Invitae), Labcorp
Classification: Uncertain significance for Vici syndrome. Last evaluated: 2021-11-05. Review status: criteria provided, single submitter. Criteria: Invitae Variant Classification Sherloc (09022015). Collection method: clinical testing. Allele origin: germline.
Comment: This variant is present in population databases (no rsID available, gnomAD 0.003%). This variant has not been reported in the literature in individuals affected with EPG5-related conditions. Algorithms developed to predict the effect of missense changes on protein structure and function are either unavailable or do not agree on the potential impact of this missense change (SIFT: "Tolerated"; PolyPhen-2: "Probably Damaging"; Align-GVGD: "Class C0"). In summary, the available evidence is currently insufficient to determine the role of this variant in disease. Therefore, it has been classified as a Variant of Uncertain Significance. This sequence change replaces phenylalanine, which is neutral and non-polar, with valine, which is neutral and non-polar, at codon 2085 of the EPG5 protein (p.Phe2085Val).

NM_020964.3(EPG5):c.6253T>G (p.Phe2085Val)

Gene: EPG5 (ectopic P-granules 5 autophagy tethering factor; minus strand). Cytogenetic location: 18q12.3.
Variant type: single nucleotide variant.
Coding change: c.6253T>G on transcript NM_020964.3 (MANE Select); coding-DNA position 6253, T replaced by G.
Protein change: p.Phe2085Val; replaces phenylalanine 2085 with valine.
Molecular consequence: missense variant.
Genome position (GRCh38, 1-based): chr18:45,867,721, A>C on the plus strand (T>G on the coding strand, the complement: EPG5 is on the minus strand). VCF-style: chr18-45867721-A-C. GRCh37 (hg19) VCF-style: chr18-43447686-A-C.
Other names: c.6253T>G (NM_020964.2); short protein forms F2085V.
Identifiers: ClinVar variation 1519599 (VCV001519599.7), dbSNP rs769470632, ClinGen allele CA402339888.